The following is an entry in ClinVar:

ClinVar aggregate classification (germline): Uncertain significance. Review status: criteria provided, multiple submitters, no conflicts (2 of 4 stars). 2 submissions from 2 submitters: Uncertain significance (2). Last evaluated 2024-11-18.

Conditions:
Inborn genetic diseases. Identifiers: MedGen C0950123, MeSH D030342.

Allele frequency attached by ClinVar (database versions not stated): ExAC 0.00001; gnomAD exomes 0.00001; TOPMed 0.00001.

Submissions (2):

Labcorp Genetics (formerly Invitae), Labcorp
Classification: Uncertain significance. Last evaluated: 2024-11-18. Review status: criteria provided, single submitter. Criteria: Invitae Variant Classification Sherloc (09022015). Collection method: clinical testing. Allele origin: germline.
Comment: This sequence change replaces valine, which is neutral and non-polar, with isoleucine, which is neutral and non-polar, at codon 1399 of the LRRK1 protein (p.Val1399Ile). This variant is present in population databases (rs756048864, gnomAD 0.003%). This variant has not been reported in the literature in individuals affected with LRRK1-related conditions. ClinVar contains an entry for this variant (Variation ID: 1506977). An algorithm developed to predict the effect of missense changes on protein structure and function outputs the following: PolyPhen-2: "Benign". The isoleucine amino acid residue is found in multiple mammalian species, which suggests that this missense change does not adversely affect protein function. In summary, the available evidence is currently insufficient to determine the role of this variant in disease. Therefore, it has been classified as a Variant of Uncertain Significance.

Ambry Genetics
Classification: Uncertain significance for Inborn genetic diseases. Last evaluated: 2024-05-20. Review status: criteria provided, single submitter. Criteria: Ambry Variant Classification Scheme 2023. Collection method: clinical testing. Allele origin: germline.

NM_024652.6(LRRK1):c.4195G>A (p.Val1399Ile)

Genes: LRRK1 (leucine rich repeat kinase 1; plus strand), LRRK1-AS1 (LRRK1 antisense RNA 1; minus strand). Cytogenetic location: 15q26.3.
Variant type: single nucleotide variant.
Coding change: c.4195G>A on transcript NM_024652.6 (MANE Select); coding-DNA position 4195, G replaced by A.
Protein change: p.Val1399Ile; replaces valine 1399 with isoleucine.
Molecular consequence: missense variant.
Genome position (GRCh38, 1-based): chr15:101,055,086, G>A. VCF-style: chr15-101055086-G-A. GRCh37 (hg19) VCF-style: chr15-101595291-G-A.
Other names: c.4195G>A (NM_024652.3); short protein forms V1399I.
Identifiers: ClinVar variation 1506977 (VCV001506977.9), dbSNP rs756048864, ClinGen allele CA7761772.